The following is an entry in ClinVar:

NM_000123.4(ERCC5):c.3198G>A (p.Glu1066=)

Genes: BIVM-ERCC5 (BIVM-ERCC5 readthrough; plus strand), ERCC5 (ERCC excision repair 5, endonuclease; plus strand). Cytogenetic location: 13q33.1.
Variant type: single nucleotide variant.
Coding change: c.3198G>A on transcript NM_000123.4 (MANE Select); coding-DNA position 3198, G replaced by A.
Protein change: p.Glu1066=; no amino-acid change (glutamic acid 1066 retained).
Molecular consequence: synonymous variant.
Genome position (GRCh38, 1-based): chr13:102,875,540, G>A. VCF-style: chr13-102875540-G-A. GRCh37 (hg19) VCF-style: chr13-103527890-G-A.
Other names: c.4560G>A, p.Glu1520= (NM_001204425.2).
Identifiers: ClinVar variation 3251215 (VCV003251215.18), dbSNP rs1184970099.

ClinVar aggregate classification (germline): Likely benign (1 of 4 stars; one submission).

Allele frequency attached by ClinVar (database versions not stated): gnomAD exomes below 0.00001.
gnomAD v4.1: 2 of 1,613,720 alleles (0.00012%); highest among the groups gnomAD compares: Non-Finnish European, 0.00017%; no homozygotes.

Submission:

CeGaT Center for Human Genetics Tuebingen
Classification: Likely benign. Last evaluated: 2024-06-01. Review status: criteria provided, single submitter. Criteria: CeGaT Center For Human Genetics Tuebingen Variant Classification Criteria Version 2. Collection method: clinical testing. Allele origin: germline. Affected: yes. Observed: 1 variant allele.
Comment: ERCC5: BP4, BP7